The following is an entry in ClinVar:

NM_001170629.2(CHD8):c.7506CCATCACCA[3] (p.His2508_Pro2509insHisHisHis)

Gene: CHD8 (chromodomain helicase DNA binding protein 8; minus strand). Cytogenetic location: 14q11.2.
Variant type: Microsatellite.
Coding change: c.7506CCATCACCA[3] on transcript NM_001170629.2 (MANE Select); three copies in a row of the 9-base unit CCATCACCA starting at c.7506; the reference has two copies in a row; one copy, 9 bases duplicated.
Protein change: p.His2508_Pro2509insHisHisHis.
Molecular consequence: inframe insertion.
Genome position (GRCh38, 1-based): chr14:21,385,836-21,385,844, TGGTGATGG duplicated on the plus strand (CCATCACCA on the coding strand, the reverse complement: CHD8 is on the minus strand); duplicating any 9 consecutive bases within chr14:21,385,836-21,385,856 gives the same sequence; the position shown is the placement nearest the transcript's 3' end. VCF-style (leftmost placement, unchanged base first): chr14-21385835-A-ATGGTGATGG. GRCh37 (hg19) VCF-style: chr14-21853994-A-ATGGTGATGG.
Other names: c.6669CCATCACCA[3], p.His2229_Pro2230insHisHisHis (NM_020920.4).
Identifiers: ClinVar variation 1759292 (VCV001759292.7), dbSNP rs1225380850, ClinGen allele CA484993446.

ClinVar aggregate classification (germline): Conflicting classifications of pathogenicity. Review status: criteria provided, conflicting classifications (1 of 4 stars). 2 submissions from 2 submitters: Uncertain significance (1); Likely benign (1). Last evaluated 2024-11-09.

Conditions:
Inborn genetic diseases. Identifiers: MedGen C0950123, MeSH D030342.

Submissions (2):

Labcorp Genetics (formerly Invitae), Labcorp
Classification: Uncertain significance. Last evaluated: 2024-11-09. Review status: criteria provided, single submitter. Criteria: Invitae Variant Classification Sherloc (09022015). Collection method: clinical testing. Allele origin: germline.
Comment: This variant, c.7515_7523dup, results in the insertion of 3 amino acid(s) of the CHD8 protein (p.His2506_His2508dup), but otherwise preserves the integrity of the reading frame. The frequency data for this variant in the population databases is considered unreliable, as metrics indicate poor data quality at this position in the gnomAD database. This variant has not been reported in the literature in individuals affected with CHD8-related conditions. In summary, the available evidence is currently insufficient to determine the role of this variant in disease. Therefore, it has been classified as a Variant of Uncertain Significance.

Ambry Genetics
Classification: Likely benign for Inborn genetic diseases. Last evaluated: 2019-06-21. Review status: criteria provided, single submitter. Criteria: Ambry Variant Classification Scheme 2023. Collection method: clinical testing. Allele origin: germline.